The following is an entry in ClinVar:

ClinVar aggregate classification (germline): Uncertain significance. Review status: criteria provided, multiple submitters, no conflicts (2 of 4 stars). 3 submissions from 3 submitters: Uncertain significance (3). Last evaluated 2025-07-29.

Conditions:
Cardiovascular phenotype. Identifiers: MedGen CN230736.
Naxos disease (NXD). Also called: WOOLLY HAIR, PALMOPLANTAR KERATODERMA, AND CARDIAC ABNORMALITIES; KERATOSIS PALMOPLANTARIS WITH ARRHYTHMOGENIC CARDIOMYOPATHY; MAL DE NAXOS; PALMOPLANTAR KERATODERMA WITH ARRHYTHMOGENIC RIGHT VENTRICULAR CARDIOMYOPATHY AND WOOLLY HAIR; CARDIOMYOPATHY, ARRHYTHMOGENIC RIGHT VENTRICULAR, WITH SKIN, HAIR, AND NAIL ABNORMALITIES. Identifiers: Orphanet 34217, MedGen C1832600, MONDO:0011017, OMIM 601214.
Arrhythmogenic right ventricular dysplasia 12. Also called: ARRHYTHMOGENIC RIGHT VENTRICULAR DYSPLASIA, FAMILIAL, 12. Identifiers: MedGen C1969081, MONDO:0012684, OMIM 611528.

Allele frequency attached by ClinVar (database versions not stated): TOPMed below 0.00001.
gnomAD v4.1: 17 of 1,611,156 alleles (0.0011%); highest among the groups gnomAD compares: Non-Finnish European, 0.0014%; no homozygotes.

Submissions (3):

Labcorp Genetics (formerly Invitae), Labcorp
Classification: Uncertain significance for Arrhythmogenic right ventricular dysplasia 12; Naxos disease. Last evaluated: 2025-07-29. Review status: criteria provided, single submitter. Criteria: Invitae Variant Classification Sherloc (09022015). Collection method: clinical testing. Allele origin: germline.
Comment: This sequence change replaces proline, which is neutral and non-polar, with leucine, which is neutral and non-polar, at codon 735 of the JUP protein (p.Pro735Leu). This variant is not present in population databases (gnomAD no frequency). This variant has not been reported in the literature in individuals affected with JUP-related conditions. ClinVar contains an entry for this variant (Variation ID: 1439390). An algorithm developed to predict the effect of missense changes on protein structure and function (PolyPhen-2) suggests that this variant is likely to be tolerated. In summary, the available evidence is currently insufficient to determine the role of this variant in disease. Therefore, it has been classified as a Variant of Uncertain Significance.

Ambry Genetics
Classification: Uncertain significance for Cardiovascular phenotype. Last evaluated: 2025-02-27. Review status: criteria provided, single submitter. Criteria: Ambry Variant Classification Scheme 2023. Collection method: clinical testing. Allele origin: germline.
Comment: The p.P735L variant (also known as c.2204C>T), located in coding exon 13 of the JUP gene, results from a C to T substitution at nucleotide position 2204. The proline at codon 735 is replaced by leucine, an amino acid with similar properties. This amino acid position is not well conserved in available vertebrate species. In addition, this alteration is predicted to be tolerated by in silico analysis. Since supporting evidence is limited at this time, the clinical significance of this alteration remains unclear.

Blueprint Genetics
Classification: Uncertain significance. Last evaluated: 2022-06-06. Review status: criteria provided, single submitter. Criteria: ACMG Guidelines, 2015. Collection method: clinical testing. Allele origin: germline.

NM_002230.4(JUP):c.2204C>T (p.Pro735Leu)

Gene: JUP (junction plakoglobin; minus strand). Cytogenetic location: 17q21.2.
Variant type: single nucleotide variant.
Coding change: c.2204C>T on transcript NM_002230.4 (MANE Select); coding-DNA position 2204, C replaced by T.
Protein change: p.Pro735Leu; replaces proline 735 with leucine.
Molecular consequence: missense variant.
Genome position (GRCh38, 1-based): chr17:41,755,778, G>A on the plus strand (C>T on the coding strand, the complement: JUP is on the minus strand). VCF-style: chr17-41755778-G-A. GRCh37 (hg19) VCF-style: chr17-39912030-G-A.
Other names: c.2204C>T, p.Pro735Leu (NM_001352773.2, NM_001352774.2, NM_001352775.2 and 3 more transcripts); short protein forms P735L.
Identifiers: ClinVar variation 1439390 (VCV001439390.12), dbSNP rs782574785, ClinGen allele CA8564987.